The following is an entry in ClinVar:

ClinVar aggregate classification (germline): Conflicting classifications of pathogenicity. Review status: criteria provided, conflicting classifications (1 of 4 stars). 2 submissions from 2 submitters: Uncertain significance (1); Likely benign (1). Last evaluated 2025-08-12.

Allele frequency attached by ClinVar (database versions not stated): TOPMed 0.00003; ExAC 0.00004; gnomAD 0.00004.
gnomAD v4.1: 50 of 1,589,164 alleles (0.0031%); highest among the groups gnomAD compares: East Asian, 0.014%; no homozygotes.

Submissions (2):

Labcorp Genetics (formerly Invitae), Labcorp
Classification: Uncertain significance. Last evaluated: 2025-08-12. Review status: criteria provided, single submitter. Criteria: Invitae Variant Classification Sherloc (09022015). Collection method: clinical testing. Allele origin: germline.
Comment: This sequence change replaces arginine, which is basic and polar, with glutamine, which is neutral and polar, at codon 667 of the AP3D1 protein (p.Arg667Gln). This variant is present in population databases (rs767777964, gnomAD 0.02%). This variant has not been reported in the literature in individuals affected with AP3D1-related conditions. ClinVar contains an entry for this variant (Variation ID: 1438455). An algorithm developed to predict the effect of missense changes on protein structure and function (PolyPhen-2) suggests that this variant is likely to be tolerated. In summary, the available evidence is currently insufficient to determine the role of this variant in disease. Therefore, it has been classified as a Variant of Uncertain Significance.

Mayo Clinic Laboratories, Mayo Clinic
Classification: Likely benign. Last evaluated: 2025-08-01. Review status: criteria provided, single submitter. Criteria: ACMG Guidelines, 2015. Collection method: clinical testing. Allele origin: germline. Observed: 3 variant alleles.
Comment: BS1, BP4

NM_001261826.3(AP3D1):c.2000G>A (p.Arg667Gln)

Gene: AP3D1 (adaptor related protein complex 3 subunit delta 1; minus strand). Cytogenetic location: 19p13.3.
Variant type: single nucleotide variant.
Coding change: c.2000G>A on transcript NM_001261826.3 (MANE Select); coding-DNA position 2000, G replaced by A.
Protein change: p.Arg667Gln; replaces arginine 667 with glutamine.
Molecular consequence: missense variant.
Genome position (GRCh38, 1-based): chr19:2,116,606, C>T on the plus strand (G>A on the coding strand, the complement: AP3D1 is on the minus strand). VCF-style: chr19-2116606-C-T. GRCh37 (hg19) VCF-style: chr19-2116605-C-T.
Other names: p.Arg667Gln; c.2000G>A, p.Arg667Gln (NM_001374799.1, NM_003938.8); short protein forms R667Q.
Identifiers: ClinVar variation 1438455 (VCV001438455.8), dbSNP rs767777964, ClinGen allele CA9059092.
Genomic context (GRCh38, chr19:2,116,606, plus strand): 5'-AGACTCCCTGGGACAGGAGGGAGGAGACGAGGGCTCGCCAGGGGCAGCCAGCAGCTCACC[C>T]GAGCCAGCTCTTCCTCGTCCGCCTCCGACGGCCGGTGCTTGGGACGCCGCTGCTCCTCCT-3'
Protein context (NP_001248755.1, residues 657-677): PSEADEEELA[Arg667Gln]RREARKQEQA